The following is an entry in ClinVar:

NM_194248.3(OTOF):c.4023+1G>A

Gene: OTOF (otoferlin; minus strand). Cytogenetic location: 2p23.3.
Variant type: single nucleotide variant.
Coding change: c.4023+1G>A on transcript NM_194248.3 (MANE Select); the canonical splice donor site of the intron after coding-DNA position 4023, G replaced by A.
Molecular consequence: splice donor variant.
Genome position (GRCh38, 1-based): chr2:26,470,592, C>T on the plus strand (G>A on the coding strand, the complement: OTOF is on the minus strand). VCF-style: chr2-26470592-C-T. GRCh37 (hg19) VCF-style: chr2-26693460-C-T.
Other names: c.4023+1G>A (NM_001287489.2); c.1722+1G>A (NM_194323.3, NM_004802.4); c.1953+1G>A (NM_194322.3).
Identifiers: ClinVar variation 48229 (VCV000048229.35), dbSNP rs186810296, ClinGen allele CA142879.

ClinVar aggregate classification (germline): Conflicting classifications of pathogenicity. Review status: criteria provided, conflicting classifications (1 of 4 stars). 12 submissions from 12 submitters: Pathogenic (1); Uncertain significance (5); Benign (1); Likely benign (3). 2 of the submissions do not count toward it. Last evaluated 2026-07-22.

Conditions:
OTOF-related disorder. Also called: OTOF-related condition.
Auditory neuropathy spectrum disorder. Identifiers: MedGen C2732267.
Autosomal recessive nonsyndromic hearing loss 9. Also called: AUDITORY NEUROPATHY, AUTOSOMAL RECESSIVE, 1, TEMPERATURE-SENSITIVE; Deafness, autosomal recessive 9; OTOF-Related Hearing Loss; NEUROSENSORY NONSYNDROMIC RECESSIVE DEAFNESS 9. Identifiers: Orphanet 90636, MedGen C1832828, MONDO:0010986, OMIM 601071.

Allele frequency attached by ClinVar (database versions not stated): gnomAD exomes 0.00018 and 0.00090; gnomAD 0.00031 and 0.00039; ExAC 0.00078; TOPMed 0.00088; 1000 Genomes Project 30x 0.00172; 1000 Genomes Project 0.00180.
gnomAD v4.1: 337 of 1,614,120 alleles (0.021%); highest among the groups gnomAD compares: East Asian, 0.64%; no homozygotes.

Submissions (13):

PreventionGenetics, part of Exact Sciences
Classification: Uncertain significance for OTOF-related condition. Last evaluated: 2026-07-22. Review status: criteria provided, single submitter. Criteria: ACMG Guidelines, 2015. Collection method: clinical testing. Allele origin: germline.
Comment: The OTOF c.4023+1G>A variant is predicted to disrupt the GT donor site and interfere with normal splicing. Although splicing variants in this gene are expected to be pathogenic, this variant affects OTOF exon 32, the loss of which is not expected to disrupt the reading frame. This variant has been reported in the heterozygous state, homozygous state, or with a second OTOF variant in individuals with OTOF-related disorders (see, for example: Wang et al. 2011. PubMed ID: 21935370; Zhang et al. 2016. PubMed ID: 26818607; Lin et al. 2025. PubMed ID: 40346465). However, it is also reported in 1.2% of alleles in individuals of East Asian descent in gnomAD, which is higher than expected for a disease causing variant in this gene. This variant has been classified as benign in two studies of hearing loss-associated variants by expert groups (described as c.1953+1G>A in Table S4, Shearer et al. 2014. PubMed ID: 25262649; described as c.1722+1G>A in Table S3, Azaiez et al. 2018. PubMed ID: 30245029). This variant has conflicting classifications in ClinVar, ranging from benign to pathogenic (Variation ID: 48229). At this time, the clinical significance of this variant is uncertain due to the absence of conclusive functional and genetic evidence.

Women's Health and Genetics/Laboratory Corporation of America, LabCorp
Classification: Likely benign. Last evaluated: 2026-05-26. Review status: criteria provided, single submitter. Criteria: LabCorp Variant Classification Summary - May 2015. Collection method: clinical testing. Allele origin: germline.
Comment: Variant summary: OTOF c.4023+1G>A is located in a canonical splice-site and is predicted to affect mRNA splicing resulting in a significantly altered protein due to either exon skipping, shortening, or inclusion of intronic material. Variants that disrupt the consensus splice site are a relatively common cause of aberrant splicing and loss of OTOF function. Several computational tools predict a significant impact on normal splicing: Four predict the variant abolishes a 5' splicing donor site. One predict the variant strengthens a cryptic 5' donor site. However, these predictions have yet to be confirmed by functional studies. The variant allele was found at a frequency of 0.0009 in 251472 control chromosomes, predominantly at a frequency of 0.012 within the East Asian subpopulation in the gnomAD database. The observed variant frequency within East Asian control individuals in the gnomAD database exceeds the estimated maximal expected allele frequency for disease-causing variants in OTOF. c.4023+1G>A has been reported in the simple heterozygous and presumed compound heterozygous state in the literature in multiple individuals affected with clinical features of Nonsyndromic Hearing Loss And Deafness, Type 9, without strong evidence for causality (example, Gao_2021, Ma_2023, Nishio_2015, Sun_2019, Wang_2024, Wang_2011, Wu_2019, Xiang_2020). These reports do not provide unequivocal conclusions about association of the variant with disease. To our knowledge, no experimental evidence demonstrating an impact on protein function has been reported. The following publications have been ascertained in the context of this evaluation (PMID: 34403091, 36597107, 25788563, 30896630, 38456936, 21935370, 31581539, 33095980). ClinVar contains an entry for this variant (Variation ID: 48229). Based on the evidence outlined above, the variant was classified as likely benign.

Labcorp Genetics (formerly Invitae), Labcorp
Classification: Benign. Last evaluated: 2026-01-24. Review status: criteria provided, single submitter. Criteria: Invitae Variant Classification Sherloc (09022015). Collection method: clinical testing. Allele origin: germline.

Blueprint Genetics
Classification: Likely benign. Last evaluated: 2024-10-25. Review status: criteria provided, single submitter. Criteria: ACMG Guidelines, 2015. Collection method: clinical testing. Allele origin: germline.

Genomic Medicine Center of Excellence, King Faisal Specialist Hospital and Research Centre
Classification: Uncertain significance for Autosomal recessive nonsyndromic hearing loss 9. Last evaluated: 2024-04-04. Review status: criteria provided, single submitter. Criteria: ACMG Guidelines, 2015. Collection method: clinical testing. Allele origin: germline.

Department of Pathology and Laboratory Medicine, Sinai Health System
Classification: Uncertain significance for autosomal recessive nonsyndromic hearing loss 9. Last evaluated: 2021-07-30. Review status: criteria provided, single submitter. Criteria: ACMG Guidelines, 2015. Collection method: research. Allele origin: germline.

Laboratory for Molecular Medicine, Mass General Brigham Personalized Medicine
Classification: Uncertain significance. Last evaluated: 2021-04-07. Review status: criteria provided, single submitter. Criteria: LMM Criteria. Collection method: clinical testing. Allele origin: germline. Observed: 3 variant alleles.
Comment: proposed classification - variant undergoing re-assessment, contact laboratory

GeneDx
Classification: Likely benign. Last evaluated: 2019-11-29. Review status: criteria provided, single submitter. Criteria: GeneDx Variant Classification Process June 2021. Collection method: clinical testing. Allele origin: germline. Affected: yes.
Comment: This variant is associated with the following publications: (PMID: 33095980, 31130284, 31980526, 31581539, 30096381, 30245029, 26818607, 25262649, 26434960, 21935370, 31095577)

Illumina Laboratory Services, Illumina
Classification: Uncertain significance for Autosomal recessive nonsyndromic hearing loss 9. Last evaluated: 2017-04-27. Review status: criteria provided, single submitter. Criteria: ICSL Variant Classification Criteria 13 December 2019. Collection method: clinical testing. Allele origin: germline.
Comment: This variant was observed as part of a predisposition screen in an ostensibly healthy population. A literature search was performed for the gene, cDNA change, and amino acid change (where applicable). Publications were found based on this search. However, the evidence from the literature, in combination with allele frequency data from public databases where available, was not sufficient to rule this variant in or out of causing disease. Therefore, this variant is classified as a variant of unknown significance.

Soonchunhyang University Bucheon Hospital, Soonchunhyang University Medical Center
Classification: Pathogenic for Autosomal recessive nonsyndromic hearing loss 9. Last evaluated: 2016-03-18. Review status: criteria provided, single submitter. Criteria: ACMG Guidelines, 2015. Collection method: reference population. Allele origin: germline. Observed: 1 variant allele.

Diagnosis and Treatment Center of Genetic Hearing Loss, Eye & ENT Hospital of Fudan University
Classification: VUS-low for Autosomal recessive nonsyndromic hearing loss 9. Last evaluated: 2026-02-04. Review status: no assertion criteria provided. Collection method: clinical testing. Allele origin: germline. Inheritance: Autosomal recessive inheritance. Affected: yes. Not counted in ClinVar's aggregate classification.
Comment: The c.4023+1G>A splice donor variant in OTOF has a spliceAI score of 1 (PP3). However, the population frequency is high (0.0122) in gnomAD (BS1_Supporting).

Department of Otolaryngology, Head and Neck Surgery, Beijing Friendship Hospital, Capital Medical University
Classification: Pathogenic for Auditory neuropathy spectrum disorder. Last evaluated: 2020-03-05. Review status: no assertion criteria provided. Collection method: clinical testing. Allele origin: inherited. Inheritance: Autosomal recessive inheritance. Affected: yes. Not counted in ClinVar's aggregate classification.

Dr. Peter K. Rogan Lab, Western University
No classification provided (evidence only). Condition: Thyroid cancer, nonmedullary, 1. Review status: no classification provided. Collection method: in vitro. Allele origin: not applicable. Functional consequence: retained intron. Not counted in ClinVar's aggregate classification.

Literature cited by the submitters: PubMed 25788563 (cited by Women's Health and Genetics/Laboratory Corporation of America, LabCorp); PubMed 31581539 (cited by Women's Health and Genetics/Laboratory Corporation of America, LabCorp); PubMed 34403091 (cited by Women's Health and Genetics/Laboratory Corporation of America, LabCorp); PubMed 33095980 (cited by Women's Health and Genetics/Laboratory Corporation of America, LabCorp and Laboratory for Molecular Medicine, Mass General Brigham Personalized Medicine); PubMed 36597107 (cited by Women's Health and Genetics/Laboratory Corporation of America, LabCorp); PubMed 30896630 (cited by Women's Health and Genetics/Laboratory Corporation of America, LabCorp); PubMed 38456936 (cited by Women's Health and Genetics/Laboratory Corporation of America, LabCorp); PubMed 21935370 (cited by 4 submitters); PubMed 30245029 (cited by Laboratory for Molecular Medicine, Mass General Brigham Personalized Medicine); PubMed 26818607 (cited by Laboratory for Molecular Medicine, Mass General Brigham Personalized Medicine); PubMed 30096381 (cited by Laboratory for Molecular Medicine, Mass General Brigham Personalized Medicine); PubMed 25262649 (cited by Laboratory for Molecular Medicine, Mass General Brigham Personalized Medicine and Illumina Laboratory Services, Illumina); PubMed 26434960 (cited by Laboratory for Molecular Medicine, Mass General Brigham Personalized Medicine and Illumina Laboratory Services, Illumina); PubMed 27657688 (cited by Laboratory for Molecular Medicine, Mass General Brigham Personalized Medicine); PubMed 31095577 (cited by Laboratory for Molecular Medicine, Mass General Brigham Personalized Medicine); PubMed 31980526 (cited by Laboratory for Molecular Medicine, Mass General Brigham Personalized Medicine).